The following is an entry in ClinVar:

NM_000452.3(SLC10A2):c.211G>A (p.Gly71Ser)

Gene: SLC10A2 (solute carrier family 10 member 2; minus strand). Cytogenetic location: 13q33.1.
Variant type: single nucleotide variant.
Coding change: c.211G>A on transcript NM_000452.3 (MANE Select); coding-DNA position 211, G replaced by A.
Protein change: p.Gly71Ser; replaces glycine 71 with serine.
Molecular consequence: missense variant.
Genome position (GRCh38, 1-based): chr13:103,066,039, C>T on the plus strand (G>A on the coding strand, the complement: SLC10A2 is on the minus strand). VCF-style: chr13-103066039-C-T. GRCh37 (hg19) VCF-style: chr13-103718389-C-T.
Other names: short protein forms G71S.
Identifiers: ClinVar variation 2876453 (VCV002876453.3), dbSNP rs755309203, ClinGen allele CA7042308.

ClinVar aggregate classification (germline): Uncertain significance (1 of 4 stars; one submission).

Allele frequency attached by ClinVar (database versions not stated): TOPMed below 0.00001; gnomAD exomes 0.00001; ExAC 0.00002.
gnomAD v4.1: 10 of 1,613,842 alleles (0.00062%); highest among the groups gnomAD compares: East Asian, 0.016%; no homozygotes.

Submission:

Labcorp Genetics (formerly Invitae), Labcorp
Classification: Uncertain significance. Last evaluated: 2023-11-27. Review status: criteria provided, single submitter. Criteria: Invitae Variant Classification Sherloc (09022015). Collection method: clinical testing. Allele origin: germline.
Comment: This sequence change replaces glycine, which is neutral and non-polar, with serine, which is neutral and polar, at codon 71 of the SLC10A2 protein (p.Gly71Ser). This variant is present in population databases (rs755309203, gnomAD 0.02%). This variant has not been reported in the literature in individuals affected with SLC10A2-related conditions. Advanced modeling of protein sequence and biophysical properties (such as structural, functional, and spatial information, amino acid conservation, physicochemical variation, residue mobility, and thermodynamic stability) has been performed at Invitae for this missense variant, however the output from this modeling did not meet the statistical confidence thresholds required to predict the impact of this variant on SLC10A2 protein function. In summary, the available evidence is currently insufficient to determine the role of this variant in disease. Therefore, it has been classified as a Variant of Uncertain Significance.